The following is an entry in ClinVar:

ClinVar aggregate classification (germline): Likely benign. Review status: criteria provided, multiple submitters, no conflicts (2 of 4 stars). 3 submissions from 3 submitters: Likely benign (3). Last evaluated 2025-10-28.

Conditions:
CREBBP-related disorder. Also called: CREBBP-related condition; CREBBP-related disorders.
Rubinstein-Taybi syndrome (RSTS). Identifiers: Orphanet 783, MedGen C0035934, MONDO:0019188.
Inborn genetic diseases. Identifiers: MedGen C0950123, MeSH D030342.

Allele frequency attached by ClinVar (database versions not stated): gnomAD exomes below 0.00001; TOPMed below 0.00001; gnomAD 0.00001.
gnomAD v4.1: 4 of 1,614,084 alleles (0.00025%); highest among the groups gnomAD compares: East Asian, 0.0022%; no homozygotes.

Submissions (3):

PreventionGenetics, part of Exact Sciences
Classification: Likely benign for CREBBP-related condition. Last evaluated: 2025-10-28. Review status: criteria provided, single submitter. Criteria: ACMG Guidelines, 2015. Collection method: clinical testing. Allele origin: germline.
Comment: This variant is classified as likely benign based on ACMG/AMP sequence variant interpretation guidelines (Richards et al. 2015 PMID: 25741868, with internal and published modifications).

Labcorp Genetics (formerly Invitae), Labcorp
Classification: Likely benign for Rubinstein-Taybi syndrome. Last evaluated: 2022-10-23. Review status: criteria provided, single submitter. Criteria: Invitae Variant Classification Sherloc (09022015). Collection method: clinical testing. Allele origin: germline.

Ambry Genetics
Classification: Likely benign for Inborn genetic diseases. Last evaluated: 2018-06-06. Review status: criteria provided, single submitter. Criteria: Ambry Variant Classification Scheme 2023. Collection method: clinical testing. Allele origin: germline.

NM_004380.3(CREBBP):c.4695G>A (p.Lys1565=)

Gene: CREBBP (CREB binding lysine acetyltransferase; minus strand). Cytogenetic location: 16p13.3.
Variant type: single nucleotide variant.
Coding change: c.4695G>A on transcript NM_004380.3 (MANE Select); coding-DNA position 4695, G replaced by A.
Protein change: p.Lys1565=; no amino-acid change (lysine 1565 retained).
Molecular consequence: synonymous variant.
Genome position (GRCh38, 1-based): chr16:3,736,069, C>T on the plus strand (G>A on the coding strand, the complement: CREBBP is on the minus strand). VCF-style: chr16-3736069-C-T. GRCh37 (hg19) VCF-style: chr16-3786070-C-T.
Other names: c.4581G>A, p.Lys1527= (NM_001079846.1).
Identifiers: ClinVar variation 1742498 (VCV001742498.8), dbSNP rs1239419042, ClinGen allele CA493277706.